The following is an entry in ClinVar:

NM_001370259.2(MEN1):c.963C>A (p.Tyr321Ter)

Gene: MEN1 (menin 1; minus strand). Cytogenetic location: 11q13.1.
Variant type: single nucleotide variant.
Coding change: c.963C>A on transcript NM_001370259.2 (MANE Select); coding-DNA position 963, C replaced by A.
Protein change: p.Tyr321Ter; replaces tyrosine 321 with a stop codon.
Molecular consequence: nonsense.
Genome position (GRCh38, 1-based): chr11:64,806,318, G>T on the plus strand (C>A on the coding strand, the complement: MEN1 is on the minus strand). VCF-style: chr11-64806318-G-T. GRCh37 (hg19) VCF-style: chr11-64573790-G-T.
Other names: c.978C>A, p.Tyr326Ter (NM_000244.4, NM_130800.3, NM_130801.3 and 3 more transcripts); c.963C>A, p.Tyr321Ter (NM_001370251.2, NM_001370260.2, NM_001370261.2 and 1 more transcripts); c.858C>A, p.Tyr286Ter (NM_001370262.2, NM_001370263.2); short protein forms Y286*, Y321*, Y326*.
Identifiers: ClinVar variation 1447200 (VCV001447200.8), dbSNP rs1555165094, ClinGen allele CA381183354.

ClinVar aggregate classification (germline): Pathogenic (1 of 4 stars; one submission).

Conditions:
Multiple endocrine neoplasia, type 1 (MEN1). Also called: Endocrine adenomatosis multiple; MEN 1; MEA I; MEN I; WERMER SYNDROME. Identifiers: Orphanet 652, MedGen C0025267, MeSH D018761, MONDO:0007540, OMIM 131100.

Submission:

Labcorp Genetics (formerly Invitae), Labcorp
Classification: Pathogenic for Multiple endocrine neoplasia, type 1. Last evaluated: 2020-11-05. Review status: criteria provided, single submitter. Criteria: Invitae Variant Classification Sherloc (09022015). Collection method: clinical testing. Allele origin: germline.
Comment: For these reasons, this variant has been classified as Pathogenic. This variant has been observed in individual(s) with clinical features of multiple endocrine neoplasia, type 1 (PMID: 30339208). This variant is not present in population databases (ExAC no frequency). This sequence change creates a premature translational stop signal (p.Tyr321*) in the MEN1 gene. It is expected to result in an absent or disrupted protein product. Loss-of-function variants in MEN1 are known to be pathogenic (PMID: 12112656, 17853334).

Literature cited by the submitters: PubMed 30339208; PubMed 12112656; PubMed 17853334.